The following is an entry in ClinVar:

ClinVar aggregate classification (germline): Conflicting classifications of pathogenicity. Review status: criteria provided, conflicting classifications (1 of 4 stars). 19 submissions from 16 submitters: Pathogenic (1); Uncertain significance (11); Likely benign (5). 2 of the submissions do not count toward it. Last evaluated 2026-09-12.

Conditions:
Neuropathy, hereditary sensory and autonomic, type 2A (HSAN2A). Also called: HSAN IIA; MORVAN DISEASE; NEUROPATHY, CONGENITAL SENSORY; NEUROPATHY, HEREDITARY SENSORY RADICULAR, AUTOSOMAL RECESSIVE; NEUROPATHY, HEREDITARY SENSORY, TYPE IIA; NEUROPATHY, PROGRESSIVE SENSORY, OF CHILDREN. Identifiers: Orphanet 970, MedGen C2752089, MONDO:0024309, OMIM 201300.
Generalized epilepsy with febrile seizures plus, type 7 (GEFSP7). Also called: GEFS+, TYPE 7. Identifiers: Orphanet 36387, MedGen C2751778, MONDO:0013470, OMIM 613863.
SCN9A-related disorder. Also called: SCN9A-related disorders; SCN9A-related condition.
Inborn genetic diseases. Identifiers: MedGen C0950123, MeSH D030342.
Small fiber neuropathy (SFNP). Also called: SCN9A Small Fiber Neuropathy (SCN9A-SFN). Identifiers: MedGen C3276706, MONDO:0800207.
Primary erythromelalgia. Also called: primary erythermalgia; SCN9A Erythromelalgia (SCN9A-EM). Identifiers: Orphanet 306577, Orphanet 90026, MedGen C0014805, MONDO:0007571, OMIM 133020.
Channelopathy-associated congenital insensitivity to pain, autosomal recessive. Also called: Insensitivity to pain, channelopathy-associated; ASYMBOLIA FOR PAIN; CONGENITAL ANALGESIA, AUTOSOMAL RECESSIVE. Identifiers: Orphanet 88642, Orphanet 970, MedGen C1855739, MONDO:0009459, OMIM 243000.
Paroxysmal extreme pain disorder (PEXPD). Also called: PAIN, SUBMANDIBULAR, OCULAR, AND RECTAL, WITH FLUSHING; RECTAL PAIN, FAMILIAL; SCN9A Paroxysmal Extreme Pain Disorder (SCN9A-PEPD). Identifiers: Orphanet 46348, MedGen C1833661, MONDO:0008179, OMIM 167400.

Allele frequency attached by ClinVar (database versions not stated): TOPMed 0.00035; 1000 Genomes Project 0.00040; ESP Exome Variant Server 0.00017; ExAC 0.00018; gnomAD 0.00019; 1000 Genomes Project 30x 0.00031.
gnomAD v4.1: 408 of 1,589,396 alleles (0.026%); highest among the groups gnomAD compares: Admixed American, 0.042%; no homozygotes.

Submissions 1 to 12 of 19:

GeneDx
Classification: Uncertain significance. Last evaluated: 2026-09-12. Review status: criteria provided, single submitter. Criteria: GeneDx Variant Classification Process June 2021. Collection method: clinical testing. Allele origin: germline.
Comment: Reported in patients with small fiber neuropathy or Charcot-Marie-Tooth type 2, who did not have any other variants identified in the SCN9A gene; however, segregation details were not available (PMID: 25250524, 27525141, 26392352); Published functional studies demonstrate that I720K causes a gain of function by altering channel inactivation leading to hyperexcitability of the neurons (PMID: 21698661); In silico analysis supports that this missense variant has a deleterious effect on protein structure/function; This variant is associated with the following publications: (PMID: 22803682, 23280954, 22035805, 26392352, 30672368, 33144682, 25250524, 21698661, Newton2025[Preprint], 26633545, 40731902, 27525141)

Women's Health and Genetics/Laboratory Corporation of America, LabCorp
Classification: Uncertain significance. Last evaluated: 2026-05-28. Review status: criteria provided, single submitter. Criteria: LabCorp Variant Classification Summary - May 2015. Collection method: clinical testing. Allele origin: germline.
Comment: Variant summary: SCN9A c.2159T>A (p.Ile720Lys) results in a non-conservative amino acid change in the encoded protein sequence. Algorithms developed to predict the effect of missense changes on protein structure and function all suggest that this variant is likely to be disruptive. The variant allele was found at a frequency of 0.00016 in 212026 control chromosomes. This frequency is not significantly higher than estimated for disease-causing variants in SCN9A, allowing no conclusion about variant significance. c.2159T>A has been observed in individual(s) affected with SCN9A-related conditions (e.g. Faber_2012, Goldberg_2012, Antoniadi_2015, Cannon_2016). These report(s) do not provide unequivocal conclusions about association of the variant with disease. At least one publication reports experimental evidence evaluating an impact on protein function, however, does not allow convincing conclusions about the variant effect (Faber_2012). The following publications have been ascertained in the context of this evaluation (PMID: 26392352, 27525141, 21698661, 22035805, 23280954). ClinVar contains an entry for this variant (Variation ID: 30357). Based on the evidence outlined above, the variant was classified as uncertain significance.

PreventionGenetics, part of Exact Sciences
Classification: Uncertain significance for SCN9A-related condition. Last evaluated: 2026-04-22. Review status: criteria provided, single submitter. Criteria: ACMG Guidelines, 2015. Collection method: clinical testing. Allele origin: germline.
Comment: The SCN9A c.2159T>A variant is predicted to result in the amino acid substitution p.Ile720Lys. This variant has been reported in individuals with small fiber neuropathy (Faber et al. 2012. PubMed ID: 21698661; Cannon et al. 2016. PubMed ID: 27525141) and erythromelalgia (Goldberg et al. 2012. PubMed ID: 22035805). Functional studies have demonstrated this variant impacts SCN9A activity and neurite growth (Faber et al. 2012. PubMed ID: 21698661; Persson et al. 2013. PubMed ID: 23280954). This variant is reported in 0.035% of alleles in individuals of Latino descent in gnomAD, which may be too frequent to be a primary cause of autosomal dominant disease. This variant has conflicting classifications listed in ClinVar ranging from likely benign to pathogenic (ClinVar ID:30357). At this time, the clinical significance of this variant is uncertain due to the absence of conclusive functional and genetic evidence.

Labcorp Genetics (formerly Invitae), Labcorp
Classification: Likely benign for Neuropathy, hereditary sensory and autonomic, type 2A; Generalized epilepsy with febrile seizures plus, type 7. Last evaluated: 2026-02-02. Review status: criteria provided, single submitter. Criteria: Invitae Variant Classification Sherloc (09022015). Collection method: clinical testing. Allele origin: germline.

CeGaT Center for Human Genetics Tuebingen
Classification: Uncertain significance. Last evaluated: 2025-07-01. Review status: criteria provided, single submitter. Criteria: CeGaT Center For Human Genetics Tuebingen Variant Classification Criteria Version 2. Collection method: clinical testing. Allele origin: germline. Affected: yes. Observed: 1 variant allele.
Comment: SCN9A: PS3:Supporting

Blueprint Genetics
Classification: Uncertain significance. Last evaluated: 2024-11-21. Review status: criteria provided, single submitter. Criteria: ACMG Guidelines, 2015. Collection method: clinical testing. Allele origin: germline.

Genomic Medicine Center of Excellence, King Faisal Specialist Hospital and Research Centre
Classification: Uncertain significance for Channelopathy-associated congenital insensitivity to pain, autosomal recessive. Last evaluated: 2024-03-26. Review status: criteria provided, single submitter. Criteria: ACMG Guidelines, 2015. Collection method: clinical testing. Allele origin: germline.

Institute of Medical Genetics and Applied Genomics, University Hospital Tübingen
Classification: Uncertain significance for Primary erythromelalgia. Last evaluated: 2023-01-05. Review status: criteria provided, single submitter. Criteria: ACMG Guidelines, 2015. Collection method: clinical testing. Allele origin: germline. Inheritance: Autosomal dominant inheritance. Affected: yes.

Mendelics
Classification: Likely benign. Last evaluated: 2022-05-04. Review status: criteria provided, single submitter. Criteria: Mendelics Assertion Criteria 2019. Collection method: clinical testing. Allele origin: germline.

Ambry Genetics
Classification: Uncertain significance for Inborn genetic diseases. Last evaluated: 2021-11-29. Review status: criteria provided, single submitter. Criteria: Ambry Variant Classification Scheme 2023. Collection method: clinical testing. Allele origin: germline.
Comment: The p.I720K variant (also known as c.2159T>A), located in coding exon 13 of the SCN9A gene, results from a T to A substitution at nucleotide position 2159. The isoleucine at codon 720 is replaced by lysine, an amino acid with dissimilar properties. This alteration has been detected in the heterozygous state in multiple patients with adult-onset pain disorders (Cannon A et al. Case Rep Neurol Med, 2016 Jul;2016:9212369; Faber CG et al. Ann. Neurol., 2012 Jan;71:26-39; Goldberg YP et al. Pain, 2012 Jan;153:80-5). Expression of p.I720K in HEK293 cells showed impaired slow inactivation and caused DRG neurons to be hyperexcitable with a 43% reduction in current threshold (Faber CG et al. Ann. Neurol., 2012 Jan;71:26-39). However, given the population frequency of this alteration based on data from the Genome Aggregation Database (gnomAD), it is considered unlikely to cause dominant disease. Its pathogenicity for recessive disease remains unknown. This amino acid position is not well conserved in available vertebrate species. In addition, this alteration is predicted to be deleterious by in silico analysis. Based on the supporting evidence, this variant is unlikely to be causative of primary erythermalgia/small fiber neuropathy and paroxysmal extreme pain disorder (PEPD), ; however, its contribution to the development of congenital insensitivity to pain (CIP) and hereditary sensory autonomic neuropathy type II (HSAN2D) is uncertain.

Revvity Omics, Revvity
Classification: Uncertain significance. Last evaluated: 2021-05-18. Review status: criteria provided, single submitter. Criteria: ACMG Guidelines, 2015. Collection method: clinical testing. Allele origin: germline.

Illumina Laboratory Services, Illumina
Classification: Likely benign for Paroxysmal extreme pain disorder. Last evaluated: 2017-04-28. Review status: criteria provided, single submitter. Criteria: ICSL Variant Classification Criteria 13 December 2019. Collection method: clinical testing. Allele origin: germline.
Comment: This variant was observed as part of a predisposition screen in an ostensibly healthy population. A literature search was performed for the gene, cDNA change, and amino acid change (where applicable). No publications were found based on this search. Allele frequency data from public databases allowed determination this variant is unlikely to cause disease. Therefore, this variant is classified as likely benign.

NM_001365536.1(SCN9A):c.2192T>A (p.Ile731Lys)

Genes: SCN1A-AS1 (SCN1A and SCN9A antisense RNA 1; plus strand), SCN9A (sodium voltage-gated channel alpha subunit 9; minus strand). Cytogenetic location: 2q24.3.
Variant type: single nucleotide variant.
Coding change: c.2192T>A on transcript NM_001365536.1 (MANE Select); coding-DNA position 2192, T replaced by A.
Protein change: p.Ile731Lys; replaces isoleucine 731 with lysine.
Molecular consequence: missense variant.
Genome position (GRCh38, 1-based): chr2:166,280,508, A>T on the plus strand (T>A on the coding strand, the complement: SCN9A is on the minus strand). VCF-style: chr2-166280508-A-T. GRCh37 (hg19) VCF-style: chr2-167137018-A-T.
Other names: c.2159T>A, p.Ile720Lys (NM_002977.4); short protein forms I720K, I731K.
Identifiers: ClinVar variation 30357 (VCV000030357.47), dbSNP rs200945460, ClinGen allele CA129149.